The following is an entry in ClinVar:

NM_004415.4(DSP):c.3423A>C (p.Gln1141His)

Gene: DSP (desmoplakin; plus strand). Cytogenetic location: 6p24.3.
Variant type: single nucleotide variant.
Coding change: c.3423A>C on transcript NM_004415.4 (MANE Select); coding-DNA position 3423, A replaced by C.
Protein change: p.Gln1141His; replaces glutamine 1141 with histidine.
Molecular consequence: missense variant.
Genome position (GRCh38, 1-based): chr6:7,579,613, A>C. VCF-style: chr6-7579613-A-C. GRCh37 (hg19) VCF-style: chr6-7579846-A-C.
Other names: c.3423A>C, p.Gln1141His (NM_001008844.3, NM_001319034.2); short protein forms Q1141H.
Identifiers: ClinVar variation 908051 (VCV000908051.10), dbSNP rs759288257, ClinGen allele CA133968394.
Genomic context (GRCh38, chr6:7,579,613, plus strand): 5'-AAAGAGAAGAAGAAAATCTGTGGAAGACAGATTTGACCAACAGAAGAATGACTATGACCA[A>C]CTGCAGAAAGCAAGGCAATGTGAAAAGGAGAACCTTGGTTGGCAGAAATTAGAGTCTGAG-3'
Protein context (NP_004406.2, residues 1131-1151): RFDQQKNDYD[Gln1141His]LQKARQCEKE

ClinVar aggregate classification (germline): Uncertain significance. Review status: criteria provided, multiple submitters, no conflicts (2 of 4 stars). 5 submissions from 3 submitters: Uncertain significance (5). Last evaluated 2025-10-07.

Conditions:
Cardiomyopathy (CMYO). Also called: Cardiomyopathies. Identifiers: Orphanet 167848, MedGen C0878544, MONDO:0004994, HP:0001638. Inheritance: Various modes of inheritance.
Lethal acantholytic epidermolysis bullosa (EBLA). Identifiers: Orphanet 158687, MedGen C1864826, MONDO:0012323, OMIM 609638.
Woolly hair-skin fragility syndrome (WHSF). Identifiers: Orphanet 293165, MedGen C1843292, MONDO:0957307, OMIM 620415.
Arrhythmogenic right ventricular dysplasia 8 (ARVD8). Also called: Arrhythmogenic Right Ventricular Dysplasia/Cardiomyopathy 8; ARRHYTHMOGENIC RIGHT VENTRICULAR DYSPLASIA, FAMILIAL, 8; ARRHYTHMOGENIC RIGHT VENTRICULAR CARDIOMYOPATHY 8. Identifiers: MedGen C1843896, MONDO:0011831, OMIM 607450.
Arrhythmogenic cardiomyopathy with wooly hair and keratoderma. Also called: Dilated cardiomyopathy with woolly hair and keratoderma; Arrhythmogenic cardiomyopathy with woolly hair and keratoderma; Carvajal syndrome; PALMOPLANTAR KERATODERMA WITH LEFT VENTRICULAR CARDIOMYOPATHY AND WOOLLY HAIR. Identifiers: Orphanet 65282, MedGen C1854063, MONDO:0011581, OMIM 605676.

Allele frequency attached by ClinVar (database versions not stated): gnomAD exomes below 0.00001 and 0.00002.
gnomAD v4.1: 25 of 1,614,010 alleles (0.0015%); highest among the groups gnomAD compares: Non-Finnish European, 0.0021%; no homozygotes.

Submissions (5):

Color Diagnostics, LLC DBA Color Health
Classification: Uncertain significance for Cardiomyopathy. Last evaluated: 2025-10-07. Review status: criteria provided, single submitter. Criteria: ACMG Guidelines, 2015. Collection method: clinical testing. Allele origin: germline.
Comment: This missense variant replaces glutamine with histidine at codon 1141 of the DSP protein. Computational prediction suggests that this variant may not impact protein structure and function. To our knowledge, functional studies have not been reported for this variant. This variant has not been reported in individuals affected with DSP-related disorders in the literature. This variant has been identified in 25/1461758 chromosomes in the general population by the Genome Aggregation Database (gnomAD). The available evidence is insufficient to determine the role of this variant in disease conclusively. Therefore, this variant is classified as a Variant of Uncertain Significance.

All of Us Research Program, National Institutes of Health
Classification: Uncertain significance for Arrhythmogenic cardiomyopathy with wooly hair and keratoderma. Last evaluated: 2024-06-11. Review status: criteria provided, single submitter. Criteria: ACMG Guidelines, 2015. Collection method: clinical testing. Allele origin: germline. Inheritance: Autosomal dominant inheritance. Observed: 3 variant alleles, 3 heterozygotes.
Comment: This study involves interpretation of variants in research participants for the purpose of population health screening. Participant phenotype was not available at the time of variant classification. Additional details can be found in publication PMID: 35346344, PMCID: PMC8962531

Illumina Laboratory Services, Illumina
Classification: Uncertain significance for Arrhythmogenic right ventricular dysplasia 8. Last evaluated: 2018-01-12. Review status: criteria provided, single submitter. Criteria: ICSL Variant Classification Criteria 13 December 2019. Collection method: clinical testing. Allele origin: germline.

Illumina Laboratory Services, Illumina
Classification: Uncertain significance for Lethal acantholytic epidermolysis bullosa. Last evaluated: 2018-01-12. Review status: criteria provided, single submitter. Criteria: ICSL Variant Classification Criteria 13 December 2019. Collection method: clinical testing. Allele origin: germline.

Illumina Laboratory Services, Illumina
Classification: Uncertain significance for Arrhythmogenic cardiomyopathy with wooly hair and keratoderma. Last evaluated: 2018-01-12. Review status: criteria provided, single submitter. Criteria: ICSL Variant Classification Criteria 13 December 2019. Collection method: clinical testing. Allele origin: germline.